The following is an entry in ClinVar:

ClinVar aggregate classification (germline): Pathogenic (1 of 4 stars; one submission).

Submission:

GeneDx
Classification: Pathogenic. Last evaluated: 2019-05-24. Review status: criteria provided, single submitter. Criteria: GeneDx Variant Classification Process June 2021. Collection method: clinical testing. Allele origin: germline. Affected: yes.
Comment: Not observed in large population cohorts (Lek et al., 2016); In-frame deletion of 1 amino acid in a non-repeat region; In silico analysis, which includes protein predictors and evolutionary conservation, supports a deleterious effect; Has not been previously published as pathogenic or benign to our knowledge

NM_001134673.4(NFIA):c.344GAA[1] (p.Arg116del)

Gene: NFIA (nuclear factor I A; plus strand). Cytogenetic location: 1p31.3.
Variant type: Microsatellite.
Coding change: c.344GAA[1] on transcript NM_001134673.4 (MANE Select); one copy of the 3-base unit GAA starting at c.344; the reference has two copies in a row; one copy, 3 bases deleted.
Protein change: p.Arg116del; deletes arginine 116.
Molecular consequence: inframe deletion.
Genome position (GRCh38, 1-based): chr1:61,088,468-61,088,470, GAA deleted; deleting any 3 consecutive bases within chr1:61,088,465-61,088,470 gives the same sequence; the position shown is the placement nearest the transcript's 3' end. VCF-style (leftmost placement, unchanged base first): chr1-61088464-CGAA-C. GRCh37 (hg19) VCF-style: chr1-61554136-CGAA-C.
Other names: c.320GAA[1], p.Arg108del (NM_001145511.2); c.479GAA[1], p.Arg161del (NM_001145512.2); c.344GAA[1], p.Arg116del (NM_005595.5); short protein forms R108del, R116del, R161del.
Identifiers: ClinVar variation 1205313 (VCV001205313.3), dbSNP rs2100414587, ClinGen allele CA2580611451.
Genomic context (GRCh38, chr1:61,088,464, plus strand): 5'-GTTACAGGGAAAAAACCTCCATGTTGTGTTCTTTCCAACCCAGACCAGAAAGGCAAGATG[CGAA>C]GAATTGACTGCCTCCGCCAGGCAGATAAAGTCTGGAGGTTGGACCTTGTTATGGTGATTT-3'